The following is an entry in ClinVar:

ClinVar aggregate classification (germline): Uncertain significance. Review status: criteria provided, multiple submitters, no conflicts (2 of 4 stars). 2 submissions from 2 submitters: Uncertain significance (2). Last evaluated 2026-08-18.

Conditions:
Gorlin syndrome. Also called: Nevoid Basal Cell Carcinoma Syndrome; Basal cell nevus syndrome. Identifiers: Orphanet 377, MedGen C0004779, MONDO:0007187.
Hereditary cancer-predisposing syndrome. Also called: Hereditary Cancer Syndrome; Hereditary neoplastic syndrome; Neoplastic Syndromes, Hereditary; Tumor predisposition. Identifiers: Orphanet 140162, MedGen C0027672, MeSH D009386, MONDO:0015356.

Allele frequency attached by ClinVar (database versions not stated): gnomAD 0.00001.
gnomAD v4.1: 1 of 1,613,904 alleles (0.000062%); highest among the groups gnomAD compares: Non-Finnish European, 0.000085%; no homozygotes.

Submissions (2):

Ambry Genetics
Classification: Uncertain significance for Hereditary cancer-predisposing syndrome. Last evaluated: 2026-08-18. Review status: criteria provided, single submitter. Criteria: Ambry Variant Classification Scheme 2023. Collection method: clinical testing. Allele origin: germline.
Comment: The p.P1393S variant (also known as c.4177C>T), located in coding exon 23 of the PTCH1 gene, results from a C to T substitution at nucleotide position 4177. The proline at codon 1393 is replaced by serine, an amino acid with similar properties. This amino acid position is not well conserved in available vertebrate species. In addition, this alteration is predicted to be tolerated by in silico analysis. Based on the available evidence, the clinical significance of this variant remains unclear.

Labcorp Genetics (formerly Invitae), Labcorp
Classification: Uncertain significance for Gorlin syndrome. Last evaluated: 2022-10-30. Review status: criteria provided, single submitter. Criteria: Invitae Variant Classification Sherloc (09022015). Collection method: clinical testing. Allele origin: germline.
Comment: In summary, the available evidence is currently insufficient to determine the role of this variant in disease. Therefore, it has been classified as a Variant of Uncertain Significance. Advanced modeling of protein sequence and biophysical properties (such as structural, functional, and spatial information, amino acid conservation, physicochemical variation, residue mobility, and thermodynamic stability) performed at Invitae indicates that this missense variant is not expected to disrupt PTCH1 protein function. This variant has not been reported in the literature in individuals affected with PTCH1-related conditions. This variant is present in population databases (no rsID available, gnomAD 0.007%). This sequence change replaces proline, which is neutral and non-polar, with serine, which is neutral and polar, at codon 1393 of the PTCH1 protein (p.Pro1393Ser).

NM_000264.5(PTCH1):c.4177C>T (p.Pro1393Ser)

Gene: PTCH1 (patched 1; minus strand). Cytogenetic location: 9q22.32.
Variant type: single nucleotide variant.
Coding change: c.4177C>T on transcript NM_000264.5 (MANE Select); coding-DNA position 4177, C replaced by T.
Protein change: p.Pro1393Ser; replaces proline 1393 with serine.
Molecular consequence: missense variant. On other transcripts: non-coding transcript variant (1).
Genome position (GRCh38, 1-based): chr9:95,447,079, G>A on the plus strand (C>T on the coding strand, the complement: PTCH1 is on the minus strand). VCF-style: chr9-95447079-G-A. GRCh37 (hg19) VCF-style: chr9-98209361-G-A.
Other names: c.3979C>T, p.Pro1327Ser (NM_001083602.3); c.4174C>T, p.Pro1392Ser (NM_001083603.3); c.3724C>T, p.Pro1242Ser (NM_001083604.3, NM_001083605.3, NM_001083606.3 and 1 more transcripts); c.4021C>T, p.Pro1341Ser (NM_001354918.2); short protein forms P1341S, P1393S, P1242S, P1327S, P1392S.
Identifiers: ClinVar variation 2810652 (VCV002810652.4), dbSNP rs1388774785, ClinGen allele CA374110174.